The following is an entry in ClinVar:

ClinVar aggregate classification (germline): Uncertain significance. Review status: criteria provided, multiple submitters, no conflicts (2 of 4 stars). 2 submissions from 2 submitters: Uncertain significance (2). Last evaluated 2022-01-23.

Conditions:
Developmental delay, impaired growth, dysmorphic facies, and axonal neuropathy. Identifiers: MedGen C5436781, MONDO:0030835, OMIM 619090.
Charcot-Marie-Tooth disease axonal type 2Z. Also called: CHARCOT-MARIE-TOOTH DISEASE, AXONAL, AUTOSOMAL DOMINANT, TYPE 2Z; CHARCOT-MARIE-TOOTH NEUROPATHY, TYPE 2Z. Identifiers: Orphanet 466768, MedGen C5569025, MONDO:0014736, OMIM 616688.

Allele frequency attached by ClinVar (database versions not stated): gnomAD exomes below 0.00001.

Submissions (2):

Labcorp Genetics (formerly Invitae), Labcorp
Classification: Uncertain significance for Charcot-Marie-Tooth disease axonal type 2Z. Last evaluated: 2022-01-23. Review status: criteria provided, single submitter. Criteria: Invitae Variant Classification Sherloc (09022015). Collection method: clinical testing. Allele origin: germline.
Comment: In summary, the available evidence is currently insufficient to determine the role of this variant in disease. Therefore, it has been classified as a Variant of Uncertain Significance. Advanced modeling of protein sequence and biophysical properties (such as structural, functional, and spatial information, amino acid conservation, physicochemical variation, residue mobility, and thermodynamic stability) performed at Invitae indicates that this missense variant is expected to disrupt MORC2 protein function. This variant has not been reported in the literature in individuals affected with MORC2-related conditions. This variant is not present in population databases (gnomAD no frequency). This sequence change replaces arginine, which is basic and polar, with cysteine, which is neutral and slightly polar, at codon 241 of the MORC2 protein (p.Arg241Cys).

Juno Genomics, Hangzhou Juno Genomics, Inc
Classification: Uncertain significance for Charcot-Marie-Tooth disease axonal type 2Z; Developmental delay, impaired growth, dysmorphic facies, and axonal neuropathy. Review status: criteria provided, single submitter. Criteria: ACMG Guidelines, 2015. Collection method: clinical testing. Allele origin: germline.
Comment: Absent from controls (or at extremely low frequency if recessive) in Genome Aggregation Database.;Missense variant in a gene that has a low rate of benign missense variation.;Multiple lines of computational evidence support a deleterious effect on the gene or gene product.

NM_001303256.3(MORC2):c.721C>T (p.Arg241Cys)

Gene: MORC2 (MORC family CW-type zinc finger 2; minus strand). Cytogenetic location: 22q12.2.
Variant type: single nucleotide variant.
Coding change: c.721C>T on transcript NM_001303256.3 (MANE Select); coding-DNA position 721, C replaced by T.
Protein change: p.Arg241Cys; replaces arginine 241 with cysteine.
Molecular consequence: missense variant.
Genome position (GRCh38, 1-based): chr22:30,941,536, G>A on the plus strand (C>T on the coding strand, the complement: MORC2 is on the minus strand). VCF-style: chr22-30941536-G-A. GRCh37 (hg19) VCF-style: chr22-31337523-G-A.
Other names: c.721C>T, p.Arg241Cys (NM_001303257.2); c.535C>T, p.Arg179Cys (NM_014941.3); short protein forms R241C, R179C.
Identifiers: ClinVar variation 1917939 (VCV001917939.7), dbSNP rs2040741626, ClinGen allele CA411241546.
Genomic context (GRCh38, chr22:30,941,536, plus strand): 5'-TGTGCCCATGGATGAAGATCCTCATCCGGGGATCAATATAGAGCACAGCGGCATAGGCAC[G>A]GAACGAGCGCCGCTCTGGCTTCCTGGAGAGGGCAAAAACAGAGAAGTGCTGTCACCTGCT-3'
Protein context (NP_001290185.1, residues 231-251): EGTKPERRSF[Arg241Cys]AYAAVLYIDP